The following is an entry in ClinVar:

ClinVar aggregate classification (germline): Likely pathogenic (1 of 4 stars; one submission).

Conditions:
Muscular dystrophy-dystroglycanopathy (congenital with brain and eye anomalies), type a, 11 (MDDGA11). Also called: WALKER-WARBURG SYNDROME OR MUSCLE-EYE-BRAIN DISEASE, B3GALNT2-RELATED; Muscular dystrophy-dystroglycanopathy (congenital with brain and eye anomalies, type A, 11; Congenital muscular dystrophy-dystroglycanopathy with brain and eye anomalies, type A11. Identifiers: Orphanet 588, Orphanet 899, MedGen C3554638, MONDO:0014071, OMIM 615181.

Allele frequency attached by ClinVar (database versions not stated): ExAC 0.00001.
gnomAD v4.1: 4 of 1,613,798 alleles (0.00025%); highest among the groups gnomAD compares: Admixed American, 0.005%; no homozygotes.

Submission:

Labcorp Genetics (formerly Invitae), Labcorp
Classification: Likely pathogenic for Muscular dystrophy-dystroglycanopathy (congenital with brain and eye anomalies), type a, 11. Last evaluated: 2025-03-07. Review status: criteria provided, single submitter. Criteria: Invitae Variant Classification Sherloc (09022015). Collection method: clinical testing. Allele origin: germline.
Comment: This sequence change affects a donor splice site in intron 7 of the B3GALNT2 gene. It is expected to disrupt RNA splicing. Variants that disrupt the donor or acceptor splice site typically lead to a loss of protein function (PMID: 16199547), and loss-of-function variants in B3GALNT2 are known to be pathogenic (PMID: 23453667). This variant is present in population databases (rs767267288, gnomAD 0.009%). This variant has not been reported in the literature in individuals affected with B3GALNT2-related conditions. ClinVar contains an entry for this variant (Variation ID: 3017553). Algorithms developed to predict the effect of sequence changes on RNA splicing suggest that this variant may disrupt the consensus splice site. In summary, the currently available evidence indicates that the variant is pathogenic, but additional data are needed to prove that conclusively. Therefore, this variant has been classified as Likely Pathogenic.

Literature cited by the submitters: PubMed 16199547; PubMed 23453667.

NM_152490.5(B3GALNT2):c.841+1G>T

Gene: B3GALNT2 (beta-1,3-N-acetylgalactosaminyltransferase 2; minus strand). Cytogenetic location: 1q42.3.
Variant type: single nucleotide variant.
Coding change: c.841+1G>T on transcript NM_152490.5 (MANE Select); the canonical splice donor site of the intron after coding-DNA position 841, G replaced by T.
Molecular consequence: splice donor variant. On other transcripts: missense variant (1).
Genome position (GRCh38, 1-based): chr1:235,465,635, C>A on the plus strand (G>T on the coding strand, the complement: B3GALNT2 is on the minus strand). VCF-style: chr1-235465635-C-A. GRCh37 (hg19) VCF-style: chr1-235628952-C-A.
Other names: c.965G>T, p.Gly322Val (NM_001277155.3); short protein forms G322V.
Identifiers: ClinVar variation 3017553 (VCV003017553.3), dbSNP rs767267288, ClinGen allele CA1464784.